The following is an entry in ClinVar:

ClinVar aggregate classification (germline): Conflicting classifications of pathogenicity. Review status: criteria provided, conflicting classifications (1 of 4 stars). 2 submissions from 2 submitters: Uncertain significance (1); Likely benign (1). Last evaluated 2025-12-26.

Conditions:
Dyskeratosis congenita, autosomal recessive 5 (DKCB5). Identifiers: MedGen C3554656, MONDO:0014076, OMIM 615190.
Pulmonary fibrosis and/or bone marrow failure, Telomere-related, 3. Also called: PULMONARY FIBROSIS AND/OR BONE MARROW FAILURE SYNDROME, TELOMERE-RELATED, 3. Identifiers: Orphanet 2032, MedGen C4225346, MONDO:0014613, OMIM 616373.
Inborn genetic diseases. Identifiers: MedGen C0950123, MeSH D030342.

Allele frequency attached by ClinVar (database versions not stated): TOPMed below 0.00001.

Submissions (2):

Ambry Genetics
Classification: Likely benign for Inborn genetic diseases. Last evaluated: 2025-12-26. Review status: criteria provided, single submitter. Criteria: Ambry Variant Classification Scheme 2023. Collection method: clinical testing. Allele origin: germline.

Labcorp Genetics (formerly Invitae), Labcorp
Classification: Uncertain significance for Dyskeratosis congenita, autosomal recessive 5; Pulmonary fibrosis and/or bone marrow failure, Telomere-related, 3. Last evaluated: 2025-10-23. Review status: criteria provided, single submitter. Criteria: Invitae Variant Classification Sherloc (09022015). Collection method: clinical testing. Allele origin: germline.
Comment: This sequence change replaces proline, which is neutral and non-polar, with serine, which is neutral and polar, at codon 1031 of the RTEL1 protein (p.Pro1031Ser). This variant is not present in population databases (gnomAD no frequency). This variant has not been reported in the literature in individuals affected with RTEL1-related conditions. ClinVar contains an entry for this variant (Variation ID: 1359103). An algorithm developed to predict the effect of missense changes on protein structure and function outputs the following: PolyPhen-2: "Benign". The serine amino acid residue is found in multiple mammalian species, which suggests that this missense change does not adversely affect protein function. In summary, the available evidence is currently insufficient to determine the role of this variant in disease. Therefore, it has been classified as a Variant of Uncertain Significance.

NM_001283009.2(RTEL1):c.3091C>T (p.Pro1031Ser)

Genes: RTEL1 (regulator of telomere elongation helicase 1; plus strand), RTEL1-TNFRSF6B (RTEL1-TNFRSF6B readthrough (NMD candidate); plus strand). Cytogenetic location: 20q13.33.
Variant type: single nucleotide variant.
Coding change: c.3091C>T on transcript NM_001283009.2 (MANE Select); coding-DNA position 3091, C replaced by T.
Protein change: p.Pro1031Ser; replaces proline 1031 with serine.
Molecular consequence: missense variant. On other transcripts: non-coding transcript variant (1).
Genome position (GRCh38, 1-based): chr20:63,694,470, C>T. VCF-style: chr20-63694470-C-T. GRCh37 (hg19) VCF-style: chr20-62325823-C-T.
Other names: c.2422C>T, p.Pro808Ser (NM_001283010.1); c.3091C>T, p.Pro1031Ser (NM_016434.4); c.3163C>T, p.Pro1055Ser (NM_032957.5); short protein forms P1055S, P808S, P1031S.
Identifiers: ClinVar variation 1359103 (VCV001359103.7), dbSNP rs912272913, ClinGen allele CA317527256.